The following is an entry in ClinVar:

NM_003764.4(STX11):c.396C>A (p.Tyr132Ter)

Gene: STX11 (syntaxin 11; plus strand). Cytogenetic location: 6q24.2.
Variant type: single nucleotide variant.
Coding change: c.396C>A on transcript NM_003764.4 (MANE Select); coding-DNA position 396, C replaced by A.
Protein change: p.Tyr132Ter; replaces tyrosine 132 with a stop codon.
Molecular consequence: nonsense.
Genome position (GRCh38, 1-based): chr6:144,187,023, C>A. VCF-style: chr6-144187023-C-A. GRCh37 (hg19) VCF-style: chr6-144508160-C-A.
Other names: short protein forms Y132*.
Identifiers: ClinVar variation 3593212 (VCV003593212.2).

ClinVar aggregate classification (germline): Pathogenic/Likely pathogenic. Review status: criteria provided, multiple submitters, no conflicts (2 of 4 stars). 2 submissions from 2 submitters: Pathogenic (1); Likely pathogenic (1). Last evaluated 2026-01-24.

Conditions:
Familial hemophagocytic lymphohistiocytosis 4 (FHL4). Also called: STX11-Related Familial Hemophagocytic Lymphohistiocytosis (STX11-fHLH). Identifiers: Orphanet 540, MedGen C1863728, MONDO:0011336, OMIM 603552.

gnomAD v4.1: 2 of 1,611,944 alleles (0.00012%); highest among the groups gnomAD compares: Non-Finnish European, 0.00017%; no homozygotes.

Submissions (2):

Labcorp Genetics (formerly Invitae), Labcorp
Classification: Pathogenic for Familial hemophagocytic lymphohistiocytosis 4. Last evaluated: 2026-01-24. Review status: criteria provided, single submitter. Criteria: Invitae Variant Classification Sherloc (09022015). Collection method: clinical testing. Allele origin: germline.
Comment: This sequence change creates a premature translational stop signal (p.Tyr132*) in the STX11 gene. While this is not anticipated to result in nonsense mediated decay, it is expected to disrupt the last 156 amino acid(s) of the STX11 protein. This variant is not present in population databases (gnomAD no frequency). This variant has not been reported in the literature in individuals affected with STX11-related conditions. ClinVar contains an entry for this variant (Variation ID: 3593212). This variant disrupts a region of the STX11 protein in which other variant(s) (p.Gln268*) have been determined to be pathogenic (PMID: 16582076, 17525286). This suggests that this is a clinically significant region of the protein, and that variants that disrupt it are likely to be disease-causing. For these reasons, this variant has been classified as Pathogenic.

Fulgent Genetics
Classification: Likely pathogenic for Familial hemophagocytic lymphohistiocytosis 4. Last evaluated: 2024-01-17. Review status: criteria provided, single submitter. Criteria: ACMG Guidelines, 2015. Collection method: clinical testing. Allele origin: germline.

Literature cited by the submitters: PubMed 16582076 (cited by Labcorp Genetics (formerly Invitae), Labcorp); PubMed 17525286 (cited by Labcorp Genetics (formerly Invitae), Labcorp).